The following is an entry in ClinVar:

ClinVar aggregate classification (germline): Likely benign (0 of 4 stars; one submission).

Conditions:
RIC1-related disorder. Also called: RIC1-related condition.

Allele frequency attached by ClinVar (database versions not stated): 1000 Genomes Project 30x 0.00016; 1000 Genomes Project 0.00020; ESP Exome Variant Server 0.00023; gnomAD 0.00038.
gnomAD v4.1: 925 of 1,614,002 alleles (0.057%); highest among the groups gnomAD compares: South Asian, 0.29%; 5 homozygotes.

Submission:

PreventionGenetics, part of Exact Sciences
Classification: Likely benign for RIC1-related condition. Last evaluated: 2020-09-21. Review status: no assertion criteria provided. Collection method: clinical testing. Allele origin: germline.
Comment: This variant is classified as likely benign based on ACMG/AMP sequence variant interpretation guidelines (Richards et al. 2015 PMID: 25741868, with internal and published modifications).

NM_020829.4(RIC1):c.1328C>G (p.Pro443Arg)

Gene: RIC1 (RIC1 homolog, RAB6A GEF complex partner 1; plus strand). Cytogenetic location: 9p24.1.
Variant type: single nucleotide variant.
Coding change: c.1328C>G on transcript NM_020829.4 (MANE Select); coding-DNA position 1328, C replaced by G.
Protein change: p.Pro443Arg; replaces proline 443 with arginine.
Molecular consequence: missense variant.
Genome position (GRCh38, 1-based): chr9:5,747,381, C>G. VCF-style: chr9-5747381-C-G. GRCh37 (hg19) VCF-style: chr9-5747381-C-G.
Other names: c.1328C>G, p.Pro443Arg (NM_001135920.4, NM_001206557.2); short protein forms P443R.
Identifiers: ClinVar variation 3046510 (VCV003046510.2), dbSNP rs143886234, ClinGen allele CA4974569.